The following is an entry in ClinVar:

NM_006206.6(PDGFRA):c.321A>G (p.Thr107=)

Gene: PDGFRA (platelet derived growth factor receptor alpha; plus strand). Cytogenetic location: 4q12.
Variant type: single nucleotide variant.
Coding change: c.321A>G on transcript NM_006206.6 (MANE Select); coding-DNA position 321, A replaced by G.
Protein change: p.Thr107=; no amino-acid change (threonine 107 retained).
Molecular consequence: synonymous variant.
Genome position (GRCh38, 1-based): chr4:54,261,366, A>G. VCF-style: chr4-54261366-A-G. GRCh37 (hg19) VCF-style: chr4-55127533-A-G.
Other names: c.321A>G, p.Thr107= (NM_001347827.2, NM_001347829.2); c.396A>G, p.Thr132= (NM_001347828.2); c.360A>G, p.Thr120= (NM_001347830.2).
Identifiers: ClinVar variation 699175 (VCV000699175.14), dbSNP rs754548894, ClinGen allele CA96847412.
Genomic context (GRCh38, chr4:54,261,366, plus strand): 5'-GAGCAGTGCCTCGGCGGCCCACACAGGGTTGTACACTTGCTATTACAACCACACTCAGAC[A>G]GAAGAGAATGAGCTTGAAGGCAGGCACATTTACATCTATGTGCCAGGTGAGTTGGCTGGG-3'
Protein context (NP_006197.1, residues 97-117): LYTCYYNHTQ[Thr107=]EENELEGRHI

ClinVar aggregate classification (germline): Benign/Likely benign. Review status: criteria provided, multiple submitters, no conflicts (2 of 4 stars). 3 submissions from 3 submitters: Benign (1); Likely benign (2). Last evaluated 2026-06-16.

Conditions:
Gastrointestinal stromal tumor. Also called: Gastrointestinal stromal tumor, somatic; Gastrointestinal stroma tumor. Identifiers: Orphanet 44890, MedGen C0238198, MeSH D046152, MONDO:0011719, OMIM 606764, HP:0100723.
Polyps, multiple and recurrent inflammatory fibroid, gastrointestinal. Identifiers: MedGen C5193005, MONDO:0008285, OMIM 175510.
Hereditary cancer-predisposing syndrome. Also called: Neoplastic Syndromes, Hereditary; Hereditary Cancer Syndrome; Hereditary neoplastic syndrome; Tumor predisposition. Identifiers: Orphanet 140162, MedGen C0027672, MeSH D009386, MONDO:0015356.

Allele frequency attached by ClinVar (database versions not stated): TOPMed 0.00002.
gnomAD v4.1: 1 of 1,614,056 alleles (0.000062%); highest among the groups gnomAD compares: African/African-American, 0.0013%; no homozygotes.

Submissions (3):

Myriad Genetics, Inc.
Classification: Benign for Polyps, multiple and recurrent inflammatory fibroid, gastrointestinal. Last evaluated: 2026-06-16. Review status: criteria provided, single submitter. Criteria: Myriad Autosomal Dominant, Autosomal Recessive and X-Linked Classification Criteria (2023). Collection method: clinical testing. Allele origin: unknown.
Comment: This variant is considered benign. This variant is a silent/synonymous amino acid change and it is not expected to impact splicing.

Labcorp Genetics (formerly Invitae), Labcorp
Classification: Likely benign for Gastrointestinal stromal tumor. Last evaluated: 2025-12-08. Review status: criteria provided, single submitter. Criteria: Invitae Variant Classification Sherloc (09022015). Collection method: clinical testing. Allele origin: germline.

Ambry Genetics
Classification: Likely benign for Hereditary cancer-predisposing syndrome. Last evaluated: 2019-07-26. Review status: criteria provided, single submitter. Criteria: Ambry Variant Classification Scheme 2023. Collection method: clinical testing. Allele origin: germline.